The following is an entry in ClinVar:

ClinVar aggregate classification (germline): Uncertain significance (1 of 4 stars; one submission).

Conditions:
Agammaglobulinemia 4, autosomal recessive (AGM4). Also called: B cell linker protein deficiency; AGAMMAGLOBULINEMIA, AUTOSOMAL RECESSIVE, DUE TO BLNK DEFECT. Identifiers: MedGen C3150752, MONDO:0013289, OMIM 613502.

Submission:

Labcorp Genetics (formerly Invitae), Labcorp
Classification: Uncertain significance for Agammaglobulinemia 4, autosomal recessive. Last evaluated: 2019-02-10. Review status: criteria provided, single submitter. Criteria: Invitae Variant Classification Sherloc (09022015). Collection method: clinical testing. Allele origin: germline.
Comment: This variant is not present in population databases (ExAC no frequency). This sequence change replaces proline with histidine at codon 204 of the BLNK protein (p.Pro204His). The proline residue is highly conserved and there is a moderate physicochemical difference between proline and histidine. Algorithms developed to predict the effect of missense changes on protein structure and function (SIFT, PolyPhen-2, Align-GVGD) all suggest that this variant is likely to be disruptive, but these predictions have not been confirmed by published functional studies and their clinical significance is uncertain. In summary, the available evidence is currently insufficient to determine the role of this variant in disease. Therefore, it has been classified as a Variant of Uncertain Significance. This variant has not been reported in the literature in individuals with BLNK-related conditions.

NM_013314.4(BLNK):c.611C>A (p.Pro204His)

Gene: BLNK (B cell linker; minus strand). Cytogenetic location: 10q24.1.
Variant type: single nucleotide variant.
Coding change: c.611C>A on transcript NM_013314.4 (MANE Select); coding-DNA position 611, C replaced by A.
Protein change: p.Pro204His; replaces proline 204 with histidine.
Molecular consequence: missense variant. On other transcripts: non-coding transcript variant (1), intron variant (3).
Genome position (GRCh38, 1-based): chr10:96,215,386, G>T on the plus strand (C>A on the coding strand, the complement: BLNK is on the minus strand). VCF-style: chr10-96215386-G-T. GRCh37 (hg19) VCF-style: chr10-97975142-G-T.
Other names: c.611C>A, p.Pro204His (NM_001258440.2); c.350-54C>A (NM_001258442.2); c.607+1267C>A (NM_001258441.2, NM_001114094.2); short protein forms P204H.
Identifiers: ClinVar variation 856791 (VCV000856791.9), dbSNP rs2084041054, ClinGen allele CA377723336.
Genomic context (GRCh38, chr10:96,215,386, plus strand): 5'-GCTGTTCCTGGAGGAGAGGCGGGCGTTGAGGAATTTGGCTTGGTTGATCTATTCACCATG[G>T]GAGCTTAAACACAGAAATGTGTGTGTATATATATATATATATATACATAAAACCATTACA-3'
Protein context (NP_037446.1, residues 194-214): ESSSPPPEKA[Pro204His]MVNRSTKPNS